The following is an entry in ClinVar:

ClinVar aggregate classification (germline): Likely benign (1 of 4 stars; one submission).

Conditions:
Papillary renal cell carcinoma type 1 (RCCP1). Also called: RENAL CELL CARCINOMA, PAPILLARY, 1, SOMATIC; Renal adenocarcinoma; Renal cell carcinoma 1; Renal cell carcinoma, somatic. Identifiers: Orphanet 47044, MedGen C1336839, OMIM 605074, HP:0011797.

Submission:

Myriad Genetics, Inc.
Classification: Likely benign for Papillary renal cell carcinoma type 1. Last evaluated: 2024-11-11. Review status: criteria provided, single submitter. Criteria: Myriad Autosomal Dominant, Autosomal Recessive and X-Linked Classification Criteria (2023). Collection method: clinical testing. Allele origin: unknown.
Comment: This variant is considered likely benign. This variant is intronic and is not expected to impact mRNA splicing.

NM_000245.4(MET):c.2365-21_2365-20del

Gene: MET (MET proto-oncogene, receptor tyrosine kinase; plus strand). Cytogenetic location: 7q31.2.
Variant type: Deletion.
Coding change: c.2365-21_2365-20del on transcript NM_000245.4 (MANE Select); 21 bases into the intron before coding-DNA position 2365 through 20 bases into the intron before coding-DNA position 2365, 2 bases deleted (GA; older notation c.2365-21_2365-20delGA).
Molecular consequence: intron variant.
Genome position (GRCh38, 1-based): chr7:116,763,029-116,763,030, GA deleted. VCF-style (leftmost placement, unchanged base first): chr7-116763028-GGA-G. GRCh37 (hg19) VCF-style: chr7-116403082-GGA-G.
Other names: c.2419-21_2419-20del (NM_001127500.3); c.1075-21_1075-20del (NM_001324402.2); c.2365-21_2365-20del (NM_001324401.3).
Identifiers: ClinVar variation 3773420 (VCV003773420.1).